The following is an entry in ClinVar:

ClinVar aggregate classification (germline): Likely benign (1 of 4 stars; one submission).

Allele frequency attached by ClinVar (database versions not stated): gnomAD exomes below 0.00001; TOPMed below 0.00001; ESP Exome Variant Server 0.00009.
gnomAD v4.1: 1 of 1,206,050 alleles (0.000083%); highest among the groups gnomAD compares: Non-Finnish European, 0.00011%; no homozygotes.

Submission:

CeGaT Center for Human Genetics Tuebingen
Classification: Likely benign. Last evaluated: 2022-08-01. Review status: criteria provided, single submitter. Criteria: CeGaT Center For Human Genetics Tuebingen Variant Classification Criteria Version 2. Collection method: clinical testing. Allele origin: germline. Affected: yes. Observed: 1 variant allele.
Comment: PHF8: BP4, BP7

NM_015107.3(PHF8):c.2190C>T (p.Asn730=)

Gene: PHF8 (PHD finger protein 8; minus strand). Cytogenetic location: Xp11.22.
Variant type: single nucleotide variant.
Coding change: c.2190C>T on transcript NM_015107.3 (MANE Select); coding-DNA position 2190, C replaced by T.
Protein change: p.Asn730=; no amino-acid change (asparagine 730 retained).
Molecular consequence: synonymous variant.
Genome position (GRCh38, 1-based): chrX:53,985,167, G>A on the plus strand (C>T on the coding strand, the complement: PHF8 is on the minus strand). VCF-style: chrX-53985167-G-A. GRCh37 (hg19) VCF-style: chrX-54011600-G-A.
Other names: c.2298C>T, p.Asn766= (NM_001184896.1); c.1887C>T, p.Asn629= (NM_001184897.2); c.2139C>T, p.Asn713= (NM_001184898.2).
Identifiers: ClinVar variation 2660644 (VCV002660644.24), dbSNP rs145289749, ClinGen allele CA329924355.